The following is an entry in ClinVar:

ClinVar aggregate classification (germline): Uncertain significance (1 of 4 stars; one submission).

Conditions:
Arginine:glycine amidinotransferase deficiency (CCDS3). Also called: L-Arginine:Glycine Amidinotransferase (AGAT) Deficiency; AGAT deficiency; L-Arginine:Glycine Amidinotransferase Deficiency; Creatine deficiency syndrome due to AGAT deficiency; GATM deficiency; Cerebral creatine deficiency syndrome 3. Identifiers: Orphanet 35704, MedGen C2675179, MONDO:0012996, OMIM 612718.

Allele frequency attached by ClinVar (database versions not stated): TOPMed below 0.00001.

Submission:

Labcorp Genetics (formerly Invitae), Labcorp
Classification: Uncertain significance for Arginine:glycine amidinotransferase deficiency. Last evaluated: 2023-04-10. Review status: criteria provided, single submitter. Criteria: Invitae Variant Classification Sherloc (09022015). Collection method: clinical testing. Allele origin: germline.
Comment: Advanced modeling of protein sequence and biophysical properties (such as structural, functional, and spatial information, amino acid conservation, physicochemical variation, residue mobility, and thermodynamic stability) performed at Invitae indicates that this missense variant is not expected to disrupt GATM protein function. In summary, the available evidence is currently insufficient to determine the role of this variant in disease. Therefore, it has been classified as a Variant of Uncertain Significance. This variant has not been reported in the literature in individuals affected with GATM-related conditions. This variant is not present in population databases (gnomAD no frequency). This sequence change replaces isoleucine, which is neutral and non-polar, with valine, which is neutral and non-polar, at codon 294 of the GATM protein (p.Ile294Val).

NM_001482.3(GATM):c.880A>G (p.Ile294Val)

Gene: GATM (glycine amidinotransferase; minus strand). Cytogenetic location: 15q21.1.
Variant type: single nucleotide variant.
Coding change: c.880A>G on transcript NM_001482.3 (MANE Select); coding-DNA position 880, A replaced by G.
Protein change: p.Ile294Val; replaces isoleucine 294 with valine.
Molecular consequence: missense variant.
Genome position (GRCh38, 1-based): chr15:45,366,144, T>C on the plus strand (A>G on the coding strand, the complement: GATM is on the minus strand). VCF-style: chr15-45366144-T-C. GRCh37 (hg19) VCF-style: chr15-45658342-T-C.
Other names: c.493A>G, p.Ile165Val (NM_001321015.2); short protein forms I294V, I165V.
Identifiers: ClinVar variation 2886629 (VCV002886629.3), dbSNP rs1216363658, ClinGen allele CA392257950.
Genomic context (GRCh38, chr15:45,366,144, plus strand): 5'-CAGGTCCAATGATGTTGAAGGTAGCATCAATATGCATGGGATTGGGATCTTTAAAGGAGA[T>C]GATATGCACTCTGTAGTCTGGAGCAAGATGCCTACGCATCCATTCAATGCCTAGGTAGTT-3'
Protein context (NP_001473.1, residues 284-304): HLAPDYRVHI[Ile294Val]SFKDPNPMHI